The following is an entry in ClinVar:

NM_138711.6(PPARG):c.744T>C (p.Tyr248=)

Gene: PPARG (peroxisome proliferator activated receptor gamma; plus strand). Cytogenetic location: 3p25.2.
Variant type: single nucleotide variant.
Coding change: c.744T>C on transcript NM_138711.6 (MANE Select); coding-DNA position 744, T replaced by C.
Protein change: p.Tyr248=; no amino-acid change (tyrosine 248 retained).
Molecular consequence: synonymous variant. On other transcripts: intron variant (5).
Genome position (GRCh38, 1-based): chr3:12,416,718, T>C. VCF-style: chr3-12416718-T-C. GRCh37 (hg19) VCF-style: chr3-12458217-T-C.
Other names: c.744T>C, p.Tyr248= (NM_001354666.3, NM_001354667.3, NM_001374263.2 and 3 more transcripts); c.117T>C, p.Tyr39= (NM_001354669.2); c.834T>C, p.Tyr278= (NM_015869.5); c.729+10637T>C (NM_001374261.3, NM_001374262.3, NM_001330615.4); c.653+10719T>C (NM_001374266.1); c.819+10637T>C (NM_001374265.1).
Identifiers: ClinVar variation 4993840 (VCV004993840.1).
Genomic context (GRCh38, chr3:12,416,718, plus strand): 5'-GTTAGAAATCTCCAAGTCATCCACGTTTTCCCTGTTTTATTTGCAGCCATTCGTTATCTA[T>C]GACATGAATTCCTTAATGATGGGAGAAGATAAAATCAAGTTCAAACACATCACCCCCCTG-3'
Protein context (NP_619725.3, residues 238-258): KTTDKSPFVI[Tyr248=]DMNSLMMGED

ClinVar aggregate classification (germline): Likely benign (1 of 4 stars; one submission).

Conditions:
PPARG-related disorder. Also called: PPARG-related condition; PPARG-related disorders.

gnomAD v4.1: 1 of 1,613,692 alleles (0.000062%); highest among the groups gnomAD compares: African/African-American, 0.0013%; no homozygotes.

Submission:

PreventionGenetics, part of Exact Sciences
Classification: Likely benign for PPARG-related condition. Last evaluated: 2026-06-06. Review status: criteria provided, single submitter. Criteria: ACMG Guidelines, 2015. Collection method: clinical testing. Allele origin: germline.
Comment: This variant is classified as likely benign based on ACMG/AMP sequence variant interpretation guidelines (Richards et al. 2015 PMID: 25741868, with internal and published modifications).